The following is an entry in ClinVar:

NM_001365951.3(KIF1B):c.4810G>T (p.Val1604Phe)

Gene: KIF1B (kinesin family member 1B; plus strand). Cytogenetic location: 1p36.22.
Variant type: single nucleotide variant.
Coding change: c.4810G>T on transcript NM_001365951.3 (MANE Select); coding-DNA position 4810, G replaced by T.
Protein change: p.Val1604Phe; replaces valine 1604 with phenylalanine.
Molecular consequence: missense variant.
Genome position (GRCh38, 1-based): chr1:10,368,524, G>T. VCF-style: chr1-10368524-G-T. GRCh37 (hg19) VCF-style: chr1-10428582-G-T.
Other names: c.4810G>T, p.Val1604Phe (NM_001365952.1); c.4672G>T, p.Val1558Phe (NM_015074.3); short protein forms V1558F, V1604F.
Identifiers: ClinVar variation 2448697 (VCV002448697.2), dbSNP rs769092155, ClinGen allele CA338324579.

ClinVar aggregate classification (germline): Uncertain significance (1 of 4 stars; one submission).

Submission:

Ambry Genetics
Classification: Uncertain significance. Last evaluated: 2022-11-05. Review status: criteria provided, single submitter. Criteria: Ambry Variant Classification Scheme 2023. Collection method: clinical testing. Allele origin: germline.
Comment: The p.V1558F variant (also known as c.4672G>T), located in coding exon 41 of the KIF1B gene, results from a G to T substitution at nucleotide position 4672. The valine at codon 1558 is replaced by phenylalanine, an amino acid with highly similar properties. This amino acid position is conserved. In addition, this alteration is predicted to be tolerated by in silico analysis. Since supporting evidence is limited at this time, the clinical significance of this alteration remains unclear.